The following is an entry in ClinVar:

NM_001374504.1(TMPRSS6):c.844G>A (p.Gly282Ser)

Gene: TMPRSS6 (transmembrane serine protease 6; minus strand). Cytogenetic location: 22q12.3.
Variant type: single nucleotide variant.
Coding change: c.844G>A on transcript NM_001374504.1 (MANE Select); coding-DNA position 844, G replaced by A.
Protein change: p.Gly282Ser; replaces glycine 282 with serine.
Molecular consequence: missense variant.
Genome position (GRCh38, 1-based): chr22:37,086,412, C>T on the plus strand (G>A on the coding strand, the complement: TMPRSS6 is on the minus strand). VCF-style: chr22-37086412-C-T. GRCh37 (hg19) VCF-style: chr22-37482452-C-T.
Other names: p.Gly291Ser; c.844G>A, p.Gly282Ser (NM_001289000.2, NM_001289001.2, NM_153609.4); c.871G>A (NM_153609.2); short protein forms G282S.
Identifiers: ClinVar variation 734033 (VCV000734033.14), dbSNP rs145053404, ClinGen allele CA10215870.
Genomic context (GRCh38, chr22:37,086,412, plus strand): 5'-CGACCGCCATGATGGCCCCCGACGCCAGAACCTCCACCACGGGCTCCTGGCGGCTGCAGC[C>T]GTACACCCTGGCAGAACAGAAAGGTGGCAAGGCTGGGCTGGGGTCTGGGAGGGGAGTGGC-3'
Protein context (NP_001361433.1, residues 272-292): LEKRLITSVY[Gly282Ser]CSRQEPVVEV

ClinVar aggregate classification (germline): Conflicting classifications of pathogenicity. Review status: criteria provided, conflicting classifications (1 of 4 stars). 4 submissions from 4 submitters: Uncertain significance (3); Likely benign (1). Last evaluated 2025-12-30.

Conditions:
Iron-refractory iron deficiency anemia (IRIDA). Also called: IRIDA syndrome; PSEUDO-IRON-DEFICIENCY ANEMIA; ANEMIA, HYPOCHROMIC MICROCYTIC, WITH DEFECT IN IRON METABOLISM; IRON-HANDLING DISORDER, HEREDITARY. Identifiers: Orphanet 209981, MedGen C0085576, MONDO:0008788, OMIM 206200. Disease mechanism: loss of function.
Inborn genetic diseases. Identifiers: MedGen C0950123, MeSH D030342.

Allele frequency attached by ClinVar (database versions not stated): gnomAD exomes 0.00008 and 0.00017; 1000 Genomes Project 30x 0.00031; 1000 Genomes Project 0.00040; ExAC 0.00047; ESP Exome Variant Server 0.00070; gnomAD 0.00073 and 0.00081; TOPMed 0.00089.
gnomAD v4.1: 227 of 1,586,274 alleles (0.014%); highest among the groups gnomAD compares: African/African-American, 0.27%; no homozygotes.

Submissions (4):

Labcorp Genetics (formerly Invitae), Labcorp
Classification: Likely benign. Last evaluated: 2025-12-30. Review status: criteria provided, single submitter. Criteria: Invitae Variant Classification Sherloc (09022015). Collection method: clinical testing. Allele origin: germline.

Ambry Genetics
Classification: Uncertain significance for Inborn genetic diseases. Last evaluated: 2025-03-28. Review status: criteria provided, single submitter. Criteria: Ambry Variant Classification Scheme 2023. Collection method: clinical testing. Allele origin: germline.

Mayo Clinic Laboratories, Mayo Clinic
Classification: Uncertain significance. Last evaluated: 2025-03-17. Review status: criteria provided, single submitter. Criteria: ACMG Guidelines, 2015. Collection method: clinical testing. Allele origin: germline. Observed: 2 variant alleles.

MGZ Medical Genetics Center
Classification: Uncertain significance for Iron-refractory iron deficiency anemia. Last evaluated: 2022-08-17. Review status: criteria provided, single submitter. Criteria: ACMG Guidelines, 2015. Collection method: clinical testing. Allele origin: germline. Affected: yes. Observed: 1 variant allele.
Comment: ACMG criteria applied: PM2_SUP